The following is an entry in ClinVar:

NM_000944.5(PPP3CA):c.762G>C (p.Arg254Ser)

Gene: PPP3CA (protein phosphatase 3 catalytic subunit alpha; minus strand). Cytogenetic location: 4q24.
Variant type: single nucleotide variant.
Coding change: c.762G>C on transcript NM_000944.5 (MANE Select); coding-DNA position 762, G replaced by C.
Protein change: p.Arg254Ser; replaces arginine 254 with serine.
Molecular consequence: missense variant.
Genome position (GRCh38, 1-based): chr4:101,093,796, C>G on the plus strand (G>C on the coding strand, the complement: PPP3CA is on the minus strand). VCF-style: chr4-101093796-C-G. GRCh37 (hg19) VCF-style: chr4-102014953-C-G.
Other names: c.762G>C, p.Arg254Ser (NM_001130691.2, NM_001130692.2); short protein forms R254S.
Identifiers: ClinVar variation 2758704 (VCV002758704.3), dbSNP rs1334933549, ClinGen allele CA357949118.
Genomic context (GRCh38, chr4:101,093,796, plus strand): 5'-GATGCAAACGTGTTCCAGAGAGCAAGTTCTCTATTCTTACCTGTAGAAGTATGAACACCC[C>G]CTGACTGTGTTGTGAGTGAAATGTTCCTGAGTCTTCTCATTTCCAAAATCTTCCAGGGGG-3'
Protein context (NP_000935.1, residues 244-264): TQEHFTHNTV[Arg254Ser]GCSYFYSYPA

ClinVar aggregate classification (germline): Uncertain significance (1 of 4 stars; one submission).

Submission:

Labcorp Genetics (formerly Invitae), Labcorp
Classification: Uncertain significance. Last evaluated: 2023-09-07. Review status: criteria provided, single submitter. Criteria: Invitae Variant Classification Sherloc (09022015). Collection method: clinical testing. Allele origin: germline.
Comment: This sequence change replaces arginine, which is basic and polar, with serine, which is neutral and polar, at codon 254 of the PPP3CA protein (p.Arg254Ser). This variant is not present in population databases (gnomAD no frequency). This missense change has been observed in individual(s) with autism (PMID: 35982160). Advanced modeling of protein sequence and biophysical properties (such as structural, functional, and spatial information, amino acid conservation, physicochemical variation, residue mobility, and thermodynamic stability) performed at Invitae indicates that this missense variant is expected to disrupt PPP3CA protein function with a positive predictive value of 80%. This variant disrupts the p.Arg254 amino acid residue in PPP3CA. Other variant(s) that disrupt this residue have been determined to be pathogenic (PMID: 31785789, 33963760). This suggests that this residue is clinically significant, and that variants that disrupt this residue are likely to be disease-causing. In summary, the available evidence is currently insufficient to determine the role of this variant in disease. Therefore, it has been classified as a Variant of Uncertain Significance.

Literature cited by the submitters: PubMed 35982160; PubMed 31785789; PubMed 33963760.